The following is an entry in ClinVar:

ClinVar aggregate classification (germline): Benign/Likely benign. Review status: criteria provided, multiple submitters, no conflicts (2 of 4 stars). 5 submissions from 5 submitters: Benign (1); Likely benign (4). Last evaluated 2025-08-07.

Conditions:
Hereditary cancer-predisposing syndrome. Also called: Hereditary Cancer Syndrome; Hereditary neoplastic syndrome; Neoplastic Syndromes, Hereditary; Tumor predisposition. Identifiers: Orphanet 140162, MedGen C0027672, MeSH D009386, MONDO:0015356.
Familial cancer of breast. Also called: Hereditary breast cancer; hereditary breast carcinoma; BREAST CANCER, FAMILIAL. Identifiers: Orphanet 227535, MedGen C0346153, MONDO:0016419, OMIM 114480. Disease mechanism: loss of function.

Allele frequency attached by ClinVar (database versions not stated): TOPMed 0.00002; gnomAD 0.00003.
gnomAD v4.1: 3 of 1,614,034 alleles (0.00019%); highest among the groups gnomAD compares: African/African-American, 0.004%; no homozygotes.

Submissions (5):

Labcorp Genetics (formerly Invitae), Labcorp
Classification: Likely benign for Familial cancer of breast. Last evaluated: 2025-08-07. Review status: criteria provided, single submitter. Criteria: Invitae Variant Classification Sherloc (09022015). Collection method: clinical testing. Allele origin: germline.

Myriad Genetics, Inc.
Classification: Benign for Familial cancer of breast. Last evaluated: 2024-07-30. Review status: criteria provided, single submitter. Criteria: Myriad Autosomal Dominant, Autosomal Recessive and X-Linked Classification Criteria (2023). Collection method: clinical testing. Allele origin: unknown.
Comment: This variant is considered benign. This variant is a silent/synonymous amino acid change and it is not expected to impact splicing.

Institute for Biomarker Research, Medical Diagnostic Laboratories, L.L.C.
Classification: Likely benign for Hereditary cancer-predisposing syndrome. Last evaluated: 2024-02-27. Review status: criteria provided, single submitter. Criteria: ACMG Guidelines, 2015. Collection method: clinical testing. Allele origin: germline.

GeneDx
Classification: Likely benign. Last evaluated: 2016-07-21. Review status: criteria provided, single submitter. Criteria: GeneDx Variant Classification (06012015). Collection method: clinical testing. Allele origin: germline. Affected: yes.
Comment: This variant is considered likely benign or benign based on one or more of the following criteria: it is a conservative change, it occurs at a poorly conserved position in the protein, it is predicted to be benign by multiple in silico algorithms, and/or has population frequency not consistent with disease.

Ambry Genetics
Classification: Likely benign for Hereditary cancer-predisposing syndrome. Last evaluated: 2015-12-14. Review status: criteria provided, single submitter. Criteria: Ambry Variant Classification Scheme 2023. Collection method: clinical testing. Allele origin: germline.

NM_000465.4(BARD1):c.2160C>G (p.Val720=)

Gene: BARD1 (BRCA1 associated RING domain 1; minus strand). Cytogenetic location: 2q35.
Variant type: single nucleotide variant.
Coding change: c.2160C>G on transcript NM_000465.4 (MANE Select); coding-DNA position 2160, C replaced by G.
Protein change: p.Val720=; no amino-acid change (valine 720 retained).
Molecular consequence: synonymous variant. On other transcripts: non-coding transcript variant (3).
Genome position (GRCh38, 1-based): chr2:214,728,850, G>C on the plus strand (C>G on the coding strand, the complement: BARD1 is on the minus strand). VCF-style: chr2-214728850-G-C. GRCh37 (hg19) VCF-style: chr2-215593574-G-C.
Other names: c.2103C>G, p.Val701= (NM_001282543.2); c.807C>G, p.Val269= (NM_001282545.2); c.750C>G, p.Val250= (NM_001282548.2); c.621C>G, p.Val207= (NM_001282549.2).
Identifiers: ClinVar variation 388131 (VCV000388131.16), dbSNP rs137888190, ClinGen allele CA16604120.